The following is an entry in ClinVar:

NM_000159.4(GCDH):c.536T>G (p.Leu179Arg)

Gene: GCDH (glutaryl-CoA dehydrogenase; plus strand). Cytogenetic location: 19p13.13.
Variant type: single nucleotide variant.
Coding change: c.536T>G on transcript NM_000159.4 (MANE Select); coding-DNA position 536, T replaced by G.
Protein change: p.Leu179Arg; replaces leucine 179 with arginine.
Molecular consequence: missense variant. On other transcripts: non-coding transcript variant (2).
Genome position (GRCh38, 1-based): chr19:12,896,022, T>G. VCF-style: chr19-12896022-T-G. GRCh37 (hg19) VCF-style: chr19-13006836-T-G.
Other names: c.536T>G, p.Leu179Arg (NM_013976.5); short protein forms L179R.
Identifiers: ClinVar variation 556229 (VCV000556229.11), dbSNP rs774526353, ClinGen allele CA9234425.

ClinVar aggregate classification (germline): Conflicting classifications of pathogenicity. Review status: criteria provided, conflicting classifications (1 of 4 stars). 5 submissions from 5 submitters: Pathogenic (2); Likely pathogenic (1); Uncertain significance (1). 1 of the submissions does not count toward it. Last evaluated 2025-11-05.

Conditions:
Glutaric aciduria, type 1. Also called: Glutaryl-CoA dehydrogenase deficiency; Glutaricaciduria, type I; GA I; Glutaric Acidemia Type 1; Glutaric acidemia type I; Glutaricacidemia Type 1. Identifiers: Orphanet 25, MedGen C0268595, MONDO:0009281, OMIM 231670.

Allele frequency attached by ClinVar (database versions not stated): gnomAD exomes below 0.00001 and 0.00002; ExAC 0.00001.

Submissions (5):

Labcorp Genetics (formerly Invitae), Labcorp
Classification: Pathogenic for Glutaric aciduria, type 1. Last evaluated: 2025-11-05. Review status: criteria provided, single submitter. Criteria: Invitae Variant Classification Sherloc (09022015). Collection method: clinical testing. Allele origin: germline.
Comment: This sequence change replaces leucine, which is neutral and non-polar, with arginine, which is basic and polar, at codon 179 of the GCDH protein (p.Leu179Arg). This variant is present in population databases (rs774526353, gnomAD 0.01%). This missense change has been observed in individual(s) with glutaric aciduria type 1 (PMID: 34504725). ClinVar contains an entry for this variant (Variation ID: 556229). Invitae Evidence Modeling of protein sequence and biophysical properties (such as structural, functional, and spatial information, amino acid conservation, physicochemical variation, residue mobility, and thermodynamic stability) indicates that this missense variant is expected to disrupt GCDH protein function with a positive predictive value of 80%. For these reasons, this variant has been classified as Pathogenic.

Genomic Medicine Center of Excellence, King Faisal Specialist Hospital and Research Centre
Classification: Uncertain significance for Glutaric aciduria, type 1. Last evaluated: 2024-03-26. Review status: criteria provided, single submitter. Criteria: ACMG Guidelines, 2015. Collection method: clinical testing. Allele origin: germline.

Department of Pathology and Laboratory Medicine, Sinai Health System
Classification: Likely pathogenic for Glutaric aciduria, type 1. Last evaluated: 2023-01-12. Review status: criteria provided, single submitter. Criteria: ACMG Guidelines, 2015. Collection method: research. Allele origin: germline.

Women's Health and Genetics/Laboratory Corporation of America, LabCorp
Classification: Pathogenic for Glutaric aciduria, type 1. Last evaluated: 2021-07-19. Review status: criteria provided, single submitter. Criteria: LabCorp Variant Classification Summary - May 2015. Collection method: clinical testing. Allele origin: germline.
Comment: Variant summary: GCDH c.536T>G (p.Leu179Arg) results in a non-conservative amino acid change located in the Acyl-CoA oxidase/dehydrogenase, central domain (IPR006091) of the encoded protein sequence. Five of five in-silico tools predict a damaging effect of the variant on protein function. The variant allele was found at a frequency of 1.6e-05 in 251298 control chromosomes (gnomAD). c.536T>G has been reported in the literature in multiple individuals (including homozygous occurrences) affected with Glutaric Acidemia Type 1 (Goodman_1998; Tamhankar_2020). These data indicate that the variant is very likely to be associated with disease. To our knowledge, no experimental evidence demonstrating an impact on protein function has been reported. One clinical diagnostic laboratory has submitted clinical-significance assessments for this variant to ClinVar after 2014 without evidence for independent evaluation and classified the variant as uncertain significance. Based on the evidence outlined above, the variant was classified as pathogenic.

Counsyl
Classification: Uncertain significance for Glutaric aciduria, type 1. Last evaluated: 2018-02-05. Review status: no assertion criteria provided. Collection method: clinical testing. Allele origin: unknown. Not counted in ClinVar's aggregate classification.

Literature cited by the submitters: PubMed 34504725 (cited by Labcorp Genetics (formerly Invitae), Labcorp); PubMed 9711871 (cited by Women's Health and Genetics/Laboratory Corporation of America, LabCorp and Counsyl).